The following is an entry in ClinVar:

NM_012199.5(AGO1):c.2122C>T (p.Arg708Cys)

Gene: AGO1 (argonaute RISC component 1; plus strand). Cytogenetic location: 1p34.3.
Variant type: single nucleotide variant.
Coding change: c.2122C>T on transcript NM_012199.5 (MANE Select); coding-DNA position 2122, C replaced by T.
Protein change: p.Arg708Cys; replaces arginine 708 with cysteine.
Molecular consequence: missense variant.
Genome position (GRCh38, 1-based): chr1:35,917,686, C>T. VCF-style: chr1-35917686-C-T. GRCh37 (hg19) VCF-style: chr1-36383287-C-T.
Other names: c.2122C>T (NM_012199.2); c.2122C>T, p.Arg708Cys (NM_001317122.2); c.1897C>T, p.Arg633Cys (NM_001317123.2); short protein forms R633C, R708C.
Identifiers: ClinVar variation 1693420 (VCV001693420.6), dbSNP rs2148725216, ClinGen allele CA339361072.
Genomic context (GRCh38, chr1:35,917,686, plus strand): 5'-GCCTGCATCAAACTGGAAAAGGACTACCAGCCTGGGATCACTTATATTGTGGTGCAGAAA[C>T]GCCATCACACCCGCCTTTTCTGTGCTGACAAGAATGAGCGAGTGAGTGAGGGACTGAGGC-3'
Protein context (NP_036331.1, residues 698-718): PGITYIVVQK[Arg708Cys]HHTRLFCADK

ClinVar aggregate classification (germline): Conflicting classifications of pathogenicity. Review status: criteria provided, conflicting classifications (1 of 4 stars). 2 submissions from 2 submitters: Likely pathogenic (1); Uncertain significance (1). Last evaluated 2026-05-08.

Conditions:
Inborn genetic diseases. Identifiers: MedGen C0950123, MeSH D030342.

Submissions (2):

Ambry Genetics
Classification: Likely pathogenic for Inborn genetic diseases. Last evaluated: 2026-05-08. Review status: criteria provided, single submitter. Criteria: Ambry Variant Classification Scheme 2023. Collection method: clinical testing. Allele origin: germline.
Comment: The c.2122C>T (p.R708C) alteration is located in exon 16 (coding exon 16) of the AGO1 gene. This alteration results from a C to T substitution at nucleotide position 2122, causing the arginine (R) at amino acid position 708 to be replaced by a cysteine (C). This variant was not reported in population-based cohorts in the Genome Aggregation Database (gnomAD). This variant was determined to be de novo in at least one individual with features consistent with AGO1-related neurodevelopmental disorder (Ambry internal data). This amino acid position is highly conserved in available vertebrate species. This missense alteration is located in a region that has a low rate of benign missense variation (Lek, 2016; Firth, 2009). This alteration is predicted to be deleterious by in silico analysis. Based on the available evidence, this alteration is classified as likely pathogenic.

GeneDx
Classification: Uncertain significance. Last evaluated: 2023-11-11. Review status: criteria provided, single submitter. Criteria: GeneDx Variant Classification Process June 2021. Collection method: clinical testing. Allele origin: germline. Affected: yes.
Comment: Not observed at significant frequency in large population cohorts (gnomAD); In silico analysis supports that this missense variant has a deleterious effect on protein structure/function; Has not been previously published as pathogenic or benign to our knowledge